The following is an entry in ClinVar:

ClinVar aggregate classification (germline): no classifications from unflagged records (0 of 4 stars; one submission).

Conditions:
Khan-Khan-Katsanis syndrome. Also called: 3K SYNDROME. Identifiers: MedGen C5193110, MONDO:0032764, OMIM 618460.

Allele frequency attached by ClinVar (database versions not stated): TOPMed below 0.00001; gnomAD exomes below 0.00001.
gnomAD v4.1: 1 of 1,561,918 alleles (0.000064%); highest among the groups gnomAD compares: Non-Finnish European, 0.000086%; no homozygotes.

Submission:

OMIM
Classification: Pathogenic for KHAN-KHAN-KATSANIS SYNDROME. Last evaluated: 2019-07-16. Review status: flagged submission. Collection method: literature only. Allele origin: germline.
ClinVar note: Notes: Flagging candidate with reason of insufficient supporting evidence. This gene has been classified as having a limited gene-disease relationship by a ClinGen Expert Panel.
ClinVar note: Reason: P/LP classification for a variant in a gene with insufficient evidence for a gene-disease relationship

Literature cited by the submitters: PubMed 30609410.

NM_017760.7(NCAPG2):c.1825A>G (p.Lys609Glu)

Gene: NCAPG2 (non-SMC condensin II complex subunit G2; minus strand). Cytogenetic location: 7q36.3.
Variant type: single nucleotide variant.
Coding change: c.1825A>G on transcript NM_017760.7 (MANE Select); coding-DNA position 1825, A replaced by G.
Protein change: p.Lys609Glu; replaces lysine 609 with glutamic acid.
Molecular consequence: missense variant. On other transcripts: non-coding transcript variant (1).
Genome position (GRCh38, 1-based): chr7:158,662,358, T>C on the plus strand (A>G on the coding strand, the complement: NCAPG2 is on the minus strand). VCF-style: chr7-158662358-T-C. GRCh37 (hg19) VCF-style: chr7-158455050-T-C.
Other names: c.1825A>G, p.Lys609Glu (NM_001281932.2, NM_001281933.2); short protein forms K609E.
Identifiers: ClinVar variation 633698 (VCV000633698.3), dbSNP rs1299537743, ClinGen allele CA370178111.